The following is an entry in ClinVar:

ClinVar aggregate classification (germline): Likely pathogenic (1 of 4 stars; one submission).

Conditions:
Familial dysautonomia. Also called: HSAN III; FD. Identifiers: Orphanet 1764, MedGen C0013364, MONDO:0009131, OMIM 223900. Disease mechanism: loss of function.

Submission:

Natera, Inc.
Classification: Likely pathogenic for Familial dysautonomia. Last evaluated: 2024-12-02. Review status: criteria provided, single submitter. Criteria: Natera Variant Classification Schema (03/2026). Collection method: clinical testing. Allele origin: germline.
Comment: The c.1778G>A variant in ELP1 is a nonsense variant predicted to introduce a stop codon at amino acid 593. This variant is expected to result in nonsense mediated decay, truncation, or a dysfunctional protein product. This variant is rare in the general population with a frequency below the threshold expected for the associated phenotype(s). Given the available evidence, this variant is classified as Likely Pathogenic.

NM_003640.5(ELP1):c.1778G>A (p.Trp593Ter)

Gene: ELP1 (elongator acetyltransferase complex subunit 1; minus strand). Cytogenetic location: 9q31.3.
Variant type: single nucleotide variant.
Coding change: c.1778G>A on transcript NM_003640.5 (MANE Select); coding-DNA position 1778, G replaced by A.
Protein change: p.Trp593Ter; replaces tryptophan 593 with a stop codon.
Molecular consequence: nonsense.
Genome position (GRCh38, 1-based): chr9:108,902,915, C>T on the plus strand (G>A on the coding strand, the complement: ELP1 is on the minus strand). VCF-style: chr9-108902915-C-T. GRCh37 (hg19) VCF-style: chr9-111665195-C-T.
Other names: c.1436G>A, p.Trp479Ter (NM_001318360.2); c.731G>A, p.Trp244Ter (NM_001330749.2); short protein forms W244*, W479*, W593*.
Identifiers: ClinVar variation 4815179 (VCV004815179.1).